The following is an entry in ClinVar:

ClinVar aggregate classification (germline): Uncertain significance (1 of 4 stars; one submission).

Conditions:
EGFR-related lung cancer (EGFR). Identifiers: MedGen CN130014.

Submission:

Labcorp Genetics (formerly Invitae), Labcorp
Classification: Uncertain significance for EGFR-related lung cancer. Last evaluated: 2019-08-19. Review status: criteria provided, single submitter. Criteria: Invitae Variant Classification Sherloc (09022015). Collection method: clinical testing. Allele origin: germline.
Comment: This sequence change replaces isoleucine with leucine at codon 740 of the EGFR protein (p.Ile740Leu). The isoleucine residue is highly conserved and there is a small physicochemical difference between isoleucine and leucine. This variant is not present in population databases (ExAC no frequency). This variant has not been reported in the literature in individuals with EGFR-related conditions. Algorithms developed to predict the effect of missense changes on protein structure and function are either unavailable or do not agree on the potential impact of this missense change (SIFT: "Deleterious"; PolyPhen-2: "Probably Damaging"; Align-GVGD: "Class C0"). In summary, the available evidence is currently insufficient to determine the role of this variant in disease. Therefore, it has been classified as a Variant of Uncertain Significance.

NM_005228.5(EGFR):c.2218A>C (p.Ile740Leu)

Gene: EGFR (epidermal growth factor receptor; plus strand). Cytogenetic location: 7p11.2.
Variant type: single nucleotide variant.
Coding change: c.2218A>C on transcript NM_005228.5 (MANE Select); coding-DNA position 2218, A replaced by C.
Protein change: p.Ile740Leu; replaces isoleucine 740 with leucine.
Molecular consequence: missense variant.
Genome position (GRCh38, 1-based): chr7:55,174,755, A>C. VCF-style: chr7-55174755-A-C. GRCh37 (hg19) VCF-style: chr7-55242448-A-C.
Other names: c.2083A>C, p.Ile695Leu (NM_001346897.2, NM_001346899.2); c.2218A>C, p.Ile740Leu (NM_001346898.2); c.2059A>C, p.Ile687Leu (NM_001346900.2); c.1417A>C, p.Ile473Leu (NM_001346941.2); short protein forms I695L, I740L, I473L, I687L.
Identifiers: ClinVar variation 933275 (VCV000933275.9), dbSNP rs747133806, ClinGen allele CA367584078.